The following is an entry in ClinVar:

NM_001042603.3(KDM5A):c.2151-16_2151-5dup

Gene: KDM5A (lysine demethylase 5A; minus strand). Cytogenetic location: 12p13.33.
Variant type: Duplication.
Coding change: c.2151-16_2151-5dup on transcript NM_001042603.3 (MANE Select); 16 bases into the intron before coding-DNA position 2151 through 5 bases into the intron before coding-DNA position 2151, 12 bases duplicated (TTTTTTTTTTTT).
Molecular consequence: intron variant.
Genome position (GRCh38, 1-based): chr12:323,211-323,222, AAAAAAAAAAAA duplicated on the plus strand (TTTTTTTTTTTT on the coding strand, the reverse complement: KDM5A is on the minus strand); duplicating any 12 consecutive bases within chr12:323,211-323,239 gives the same sequence; the c. name uses the placement nearest the transcript's 3' end. VCF-style (leftmost placement, unchanged base first): chr12-323210-C-CAAAAAAAAAAAA. GRCh37 (hg19) VCF-style: chr12-432376-C-CAAAAAAAAAAAA.
Identifiers: ClinVar variation 4084471 (VCV004084471.8).

ClinVar aggregate classification (germline): Likely benign (1 of 4 stars; one submission).

Submission:

CeGaT Center for Human Genetics Tuebingen
Classification: Likely benign. Last evaluated: 2025-06-01. Review status: criteria provided, single submitter. Criteria: CeGaT Center For Human Genetics Tuebingen Variant Classification Criteria Version 2. Collection method: clinical testing. Allele origin: germline. Affected: yes. Observed: 1 variant allele.
Comment: KDM5A: BP4, BS2